The following is an entry in ClinVar:

NM_000426.4(LAMA2):c.1241G>A (p.Cys414Tyr)

Gene: LAMA2 (laminin subunit alpha 2; plus strand). Cytogenetic location: 6q22.33.
Variant type: single nucleotide variant.
Coding change: c.1241G>A on transcript NM_000426.4 (MANE Select); coding-DNA position 1241, G replaced by A.
Protein change: p.Cys414Tyr; replaces cysteine 414 with tyrosine.
Molecular consequence: missense variant.
Genome position (GRCh38, 1-based): chr6:129,165,610, G>A. VCF-style: chr6-129165610-G-A. GRCh37 (hg19) VCF-style: chr6-129486755-G-A.
Other names: c.1241G>A, p.Cys414Tyr (NM_001079823.2); short protein forms C414Y.
Identifiers: ClinVar variation 3608465 (VCV003608465.1).

ClinVar aggregate classification (germline): Uncertain significance (1 of 4 stars; one submission).

Conditions:
LAMA2-related muscular dystrophy (LAMA2-RD). Also called: Laminin alpha 2-related dystrophy. Identifiers: MedGen C5679788, MONDO:0100228.

gnomAD v4.1: 2 of 1,613,158 alleles (0.00012%); highest among the groups gnomAD compares: Admixed American, 0.0033%; no homozygotes.

Submission:

Labcorp Genetics (formerly Invitae), Labcorp
Classification: Uncertain significance for LAMA2-related muscular dystrophy. Last evaluated: 2024-12-30. Review status: criteria provided, single submitter. Criteria: Invitae Variant Classification Sherloc (09022015). Collection method: clinical testing. Allele origin: germline.
Comment: This sequence change replaces cysteine, which is neutral and slightly polar, with tyrosine, which is neutral and polar, at codon 414 of the LAMA2 protein (p.Cys414Tyr). This variant is not present in population databases (gnomAD no frequency). This variant has not been reported in the literature in individuals affected with LAMA2-related conditions. Invitae Evidence Modeling of protein sequence and biophysical properties (such as structural, functional, and spatial information, amino acid conservation, physicochemical variation, residue mobility, and thermodynamic stability) has been performed for this missense variant. However, the output from this modeling did not meet the statistical confidence thresholds required to predict the impact of this variant on LAMA2 protein function. In summary, the available evidence is currently insufficient to determine the role of this variant in disease. Therefore, it has been classified as a Variant of Uncertain Significance.